The following is an entry in ClinVar:

ClinVar aggregate classification (germline): Conflicting classifications of pathogenicity. Review status: criteria provided, conflicting classifications (1 of 4 stars). 3 submissions from 3 submitters: Uncertain significance (1); Likely benign (2). Last evaluated 2025-11-04.

Conditions:
Congenital microvillous atrophy (DIAR2). Also called: Microvillus inclusion disease; MICROVILLUS ATROPHY, CONGENITAL; CONGENITAL FAMILIAL PROTRACTED DIARRHEA WITH ENTEROCYTE BRUSH-BORDER ABNORMALITIES; DAVIDSON DISEASE; Diarrhea 2 with microvillus atrophy, with or without cholestasis. Identifiers: Orphanet 2290, MedGen C0341306, MONDO:0009635, OMIM 251850.
MYO5B-related disorder. Also called: MYO5B-related condition.

Allele frequency attached by ClinVar (database versions not stated): ExAC 0.00002; gnomAD exomes 0.00002 and 0.00004; TOPMed 0.00003; gnomAD 0.00005.
gnomAD v4.1: 71 of 1,613,978 alleles (0.0044%); highest among the groups gnomAD compares: Non-Finnish European, 0.0058%; no homozygotes.

Submissions (3):

Labcorp Genetics (formerly Invitae), Labcorp
Classification: Likely benign. Last evaluated: 2025-11-04. Review status: criteria provided, single submitter. Criteria: Invitae Variant Classification Sherloc (09022015). Collection method: clinical testing. Allele origin: germline.

PreventionGenetics, part of Exact Sciences
Classification: Likely benign for MYO5B-related condition. Last evaluated: 2025-07-07. Review status: criteria provided, single submitter. Criteria: ACMG Guidelines, 2015. Collection method: clinical testing. Allele origin: germline.
Comment: This variant is classified as likely benign based on ACMG/AMP sequence variant interpretation guidelines (Richards et al. 2015 PMID: 25741868, with internal and published modifications).

Illumina Laboratory Services, Illumina
Classification: Uncertain significance for Congenital microvillous atrophy. Last evaluated: 2018-01-13. Review status: criteria provided, single submitter. Criteria: ICSL Variant Classification Criteria 13 December 2019. Collection method: clinical testing. Allele origin: germline.

NM_001080467.3(MYO5B):c.2832T>G (p.Leu944=)

Gene: MYO5B (myosin VB; minus strand). Cytogenetic location: 18q21.1.
Variant type: single nucleotide variant.
Coding change: c.2832T>G on transcript NM_001080467.3 (MANE Select); coding-DNA position 2832, T replaced by G.
Protein change: p.Leu944=; no amino-acid change (leucine 944 retained).
Molecular consequence: synonymous variant.
Genome position (GRCh38, 1-based): chr18:49,895,154, A>C on the plus strand (T>G on the coding strand, the complement: MYO5B is on the minus strand). VCF-style: chr18-49895154-A-C. GRCh37 (hg19) VCF-style: chr18-47421524-A-C.
Identifiers: ClinVar variation 327035 (VCV000327035.13), dbSNP rs199588107, ClinGen allele CA8960920.